The following is an entry in ClinVar:

ClinVar aggregate classification (germline): Pathogenic/Likely pathogenic. Review status: criteria provided, multiple submitters, no conflicts (2 of 4 stars). 6 submissions from 6 submitters: Pathogenic (2); Likely pathogenic (4). Last evaluated 2026-02-10.

Conditions:
BEST1-related disorder. Also called: BEST1-related condition; BEST1-related disorders. Identifiers: MedGen CN239200.
Vitelliform macular dystrophy 2. Also called: MACULAR DEGENERATION, POLYMORPHIC VITELLINE; VITELLIFORM MACULAR DYSTROPHY, EARLY-ONSET; VITELLIFORM MACULAR DYSTROPHY, JUVENILE-ONSET; Best vitelliform macular dystrophy, multifocal; Best Macular Dystrophy; Best Vitelliform Macular Dystrophy (BVMD). Identifiers: Orphanet 1243, MedGen C2745945, MONDO:0007931, OMIM 153700.
Autosomal dominant vitreoretinochoroidopathy. Also called: VITREORETINOCHOROIDOPATHY, AUTOSOMAL DOMINANT, WITH NANOPHTHALMOS; VITREORETINOCHOROIDOPATHY WITH MICROCORNEA, GLAUCOMA, AND CATARACT; Autosomal Dominant Vitreoretinochoroidopathy (ADVIRC). Identifiers: Orphanet 263347, Orphanet 3086, MedGen C3888099, MONDO:0008662, OMIM 193220.
Severe early-childhood-onset retinal dystrophy (STGD1). Also called: Stargardt macular dystrophy; Juvenile onset macular degeneration; Stargardt disease 1; MACULAR DYSTROPHY WITH FLECKS, TYPE 1; STGD. Identifiers: Orphanet 364055, Orphanet 827, MedGen C1855465, MeSH D000080362, MONDO:0009549, OMIM 248200.

Allele frequency attached by ClinVar (database versions not stated): gnomAD 0.00002 and 0.00001; ExAC 0.00002; gnomAD exomes 0.00001; ESP Exome Variant Server 0.00008; TOPMed 0.00002.

Submissions (6):

Dasa
Classification: Likely pathogenic. Last evaluated: 2026-02-10. Review status: criteria provided, single submitter. Criteria: DASA Assertion Criteria. Collection method: clinical testing. Allele origin: germline.
Comment: NM_004183.4(BEST1):c.1444del (p.Glu482Asnfs*14) introduces a premature termination codon predicted to result in loss of normal protein function. Loss-of-function is an established mechanism of disease for this gene. The variant is present at low frequency in population datasets. Based on the available data, this variant is classified as likely pathogenic.

Blueprint Genetics
Classification: Likely pathogenic for BEST1-related disorders. Last evaluated: 2024-11-18. Review status: criteria provided, single submitter. Criteria: ACMG Guidelines, 2015. Collection method: clinical testing. Allele origin: germline. Affected: yes. Observed: 2 variant alleles.

MGZ Medical Genetics Center
Classification: Likely pathogenic for Autosomal dominant vitreoretinochoroidopathy. Last evaluated: 2021-08-02. Review status: criteria provided, single submitter. Criteria: ACMG Guidelines, 2015. Collection method: clinical testing. Allele origin: germline. Affected: yes. Observed: 1 variant allele.
Comment: ACMG criteria applied: PVS1, PM2_SUP

Labcorp Genetics (formerly Invitae), Labcorp
Classification: Pathogenic. Last evaluated: 2021-01-21. Review status: criteria provided, single submitter. Criteria: Invitae Variant Classification Sherloc (09022015). Collection method: clinical testing. Allele origin: germline.
Comment: For these reasons, this variant has been classified as Pathogenic. Loss-of-function variants in BEST1 are known to be pathogenic (PMID: 21825197). This variant has not been reported in the literature in individuals with BEST1-related conditions. ClinVar contains an entry for this variant (Variation ID: 931891). This variant is present in population databases (rs759410076, ExAC 0.004%). This sequence change creates a premature translational stop signal (p.Glu482Asnfs*14) in the BEST1 gene. It is expected to result in an absent or disrupted protein product.

Cambridge Genomics Laboratory, East Genomic Laboratory Hub, NHS Genomic Medicine Service
Classification: Pathogenic for Severe early-childhood-onset retinal dystrophy. Last evaluated: 2020-06-18. Review status: criteria provided, single submitter. Criteria: ACGS Best Practice Guidelines for Variant Classification in Rare Disease 2020. Collection method: clinical testing. Allele origin: germline. Affected: yes. Observed: 1 variant allele.

Centre for Mendelian Genomics, University Medical Centre Ljubljana
Classification: Likely pathogenic for Vitelliform macular dystrophy 2. Last evaluated: 2018-10-15. Review status: criteria provided, single submitter. Criteria: ACMG Guidelines, 2015. Collection method: clinical testing. Allele origin: unknown. Affected: yes.
Comment: This variant was classified as: Likely pathogenic. The following ACMG criteria were applied in classifying this variant: PVS1,PM2.

Literature cited by the submitters: PubMed 21825197 (cited by Labcorp Genetics (formerly Invitae), Labcorp).

NM_004183.4(BEST1):c.1444del (p.Glu482fs)

Gene: BEST1 (bestrophin 1; plus strand). Cytogenetic location: 11q12.3.
Variant type: Deletion.
Coding change: c.1444del on transcript NM_004183.4 (MANE Select); coding-DNA position 1444, one base deleted (G; older notation c.1444delG).
Protein change: p.Glu482fs; shifts the reading frame from glutamic acid 482.
Molecular consequence: frameshift variant. On other transcripts: non-coding transcript variant (1).
Genome position (GRCh38, 1-based): chr11:61,962,598, G deleted. VCF-style (leftmost placement, unchanged base first): chr11-61962597-AG-A. GRCh37 (hg19) VCF-style: chr11-61730069-AG-A.
Other names: c.1264delG, p.Glu422Asnfs (NM_001139443.3); c.1183del, p.Glu395fs (NM_001300786.2); c.1264del, p.Glu422fs (NM_001300787.2); c.1126delG, p.Glu376Asnfs (NM_001363591.3); c.*339delG (NM_001363592.2); c.472delG, p.Glu158Asnfs (NM_001363593.3); short protein forms E376fs, E422fs, E158fs, E395fs, E482fs.
Identifiers: ClinVar variation 931891 (VCV000931891.14), dbSNP rs759410076, ClinGen allele CA6041058.